The following is an entry in ClinVar:

ClinVar aggregate classification (germline): Uncertain significance. Review status: criteria provided, multiple submitters, no conflicts (2 of 4 stars). 4 submissions from 4 submitters: Uncertain significance (4). Last evaluated 2025-09-01.

Conditions:
Pityriasis rubra pilaris (PRP). Also called: Pityriasis rubra pilaris--familial type. Identifiers: Orphanet 2897, MedGen C0032027, MONDO:0100017, OMIM 173200, MONDO:0008251.
Psoriasis 2. Identifiers: MedGen C1864497, MONDO:0011269, OMIM 602723.
Inborn genetic diseases. Identifiers: MedGen C0950123, MeSH D030342.

Allele frequency attached by ClinVar (database versions not stated): TOPMed below 0.00001; gnomAD 0.00001; gnomAD exomes 0.00007; ExAC 0.00017.
gnomAD v4.1: 51 of 1,588,062 alleles (0.0032%); highest among the groups gnomAD compares: South Asian, 0.052%; 1 homozygote.

Submissions (4):

Ambry Genetics
Classification: Uncertain significance for Inborn genetic diseases. Last evaluated: 2025-09-01. Review status: criteria provided, single submitter. Criteria: Ambry Variant Classification Scheme 2023. Collection method: clinical testing. Allele origin: germline.

Blueprint Genetics
Classification: Uncertain significance. Last evaluated: 2023-01-19. Review status: criteria provided, single submitter. Criteria: ACMG Guidelines, 2015. Collection method: clinical testing. Allele origin: germline.

Labcorp Genetics (formerly Invitae), Labcorp
Classification: Uncertain significance for Pityriasis rubra pilaris; Psoriasis 2. Last evaluated: 2022-03-19. Review status: criteria provided, single submitter. Criteria: Invitae Variant Classification Sherloc (09022015). Collection method: clinical testing. Allele origin: germline.
Comment: Algorithms developed to predict the effect of missense changes on protein structure and function output the following: SIFT: "Tolerated"; PolyPhen-2: "Benign"; Align-GVGD: "Class C0". The valine amino acid residue is found in multiple mammalian species, which suggests that this missense change does not adversely affect protein function. Algorithms developed to predict the effect of sequence changes on RNA splicing suggest that this variant may create or strengthen a splice site. In summary, the available evidence is currently insufficient to determine the role of this variant in disease. Therefore, it has been classified as a Variant of Uncertain Significance. ClinVar contains an entry for this variant (Variation ID: 936413). This sequence change replaces leucine, which is neutral and non-polar, with valine, which is neutral and non-polar, at codon 160 of the CARD14 protein (p.Leu160Val). This variant is present in population databases (rs769988602, gnomAD 0.06%), and has an allele count higher than expected for a pathogenic variant. This variant has not been reported in the literature in individuals affected with CARD14-related conditions.

CeGaT Center for Human Genetics Tuebingen
Classification: Uncertain significance. Last evaluated: 2021-10-01. Review status: criteria provided, single submitter. Criteria: CeGaT Center For Human Genetics Tuebingen Variant Classification Criteria Version 2. Collection method: clinical testing. Allele origin: germline. Affected: yes. Observed: 1 variant allele.

NM_001366385.1(CARD14):c.478C>G (p.Leu160Val)

Gene: CARD14 (caspase recruitment domain family member 14; plus strand). Cytogenetic location: 17q25.3.
Variant type: single nucleotide variant.
Coding change: c.478C>G on transcript NM_001366385.1 (MANE Select); coding-DNA position 478, C replaced by G.
Protein change: p.Leu160Val; replaces leucine 160 with valine.
Molecular consequence: missense variant. On other transcripts: non-coding transcript variant (1).
Genome position (GRCh38, 1-based): chr17:80,184,041, C>G. VCF-style: chr17-80184041-C-G. GRCh37 (hg19) VCF-style: chr17-78157840-C-G.
Other names: c.478C>G (NM_024110.3); c.478C>G, p.Leu160Val (NM_001257970.1, NM_024110.4); short protein forms L160V.
Identifiers: ClinVar variation 936413 (VCV000936413.46), dbSNP rs769988602, ClinGen allele CA8816433.